The following is an entry in ClinVar:

ClinVar aggregate classification (germline): Likely benign (0 of 4 stars; one submission).

Conditions:
ADAMTS3-related disorder. Also called: ADAMTS3-related condition.

Allele frequency attached by ClinVar (database versions not stated): ESP Exome Variant Server 0.00008; gnomAD 0.00009; ExAC 0.00010; gnomAD exomes 0.00014; TOPMed 0.00019.
gnomAD v4.1: 208 of 1,612,512 alleles (0.013%); highest among the groups gnomAD compares: Admixed American, 0.083%; 2 homozygotes.

Submission:

PreventionGenetics, part of Exact Sciences
Classification: Likely benign for ADAMTS3-related condition. Last evaluated: 2019-03-18. Review status: no assertion criteria provided. Collection method: clinical testing. Allele origin: germline.
Comment: This variant is classified as likely benign based on ACMG/AMP sequence variant interpretation guidelines (Richards et al. 2015 PMID: 25741868, with internal and published modifications).

NM_014243.3(ADAMTS3):c.1977C>T (p.Tyr659=)

Gene: ADAMTS3 (ADAM metallopeptidase with thrombospondin type 1 motif 3; minus strand). Cytogenetic location: 4q13.3.
Variant type: single nucleotide variant.
Coding change: c.1977C>T on transcript NM_014243.3 (MANE Select); coding-DNA position 1977, C replaced by T.
Protein change: p.Tyr659=; no amino-acid change (tyrosine 659 retained).
Molecular consequence: synonymous variant.
Genome position (GRCh38, 1-based): chr4:72,311,126, G>A on the plus strand (C>T on the coding strand, the complement: ADAMTS3 is on the minus strand). VCF-style: chr4-72311126-G-A. GRCh37 (hg19) VCF-style: chr4-73176843-G-A.
Identifiers: ClinVar variation 3057651 (VCV003057651.2), dbSNP rs369504290, ClinGen allele CA2956768.